The following is an entry in ClinVar:

ClinVar aggregate classification (germline): Likely pathogenic (1 of 4 stars; one submission).

Conditions:
Retinitis pigmentosa (RP). Identifiers: Orphanet 791, MedGen C0035334, MeSH D012174, MONDO:0019200, OMIM 268000. Inheritance: Autosomal dominant, autosomal recessive and X linked inheritance.

Submission:

SN ONGC Dept of Genetics and Molecular biology Vision Research Foundation
Classification: Likely pathogenic for Retinitis pigmentosa. Last evaluated: 2024-12-10. Review status: criteria provided, single submitter. Criteria: ACMG Guidelines, 2015. Collection method: research. Allele origin: unknown. Inheritance: Autosomal recessive inheritance. Affected: yes. Observed: 1 compound heterozygote.
Comment: The c.2676+2T>G variant in CRB1 reported in one family in heterozygous state along with another variant c.948T>G also in heterozygous state likely to be an compound heterozygous inheritance. This variant not reported in ExAC nor in 1000Genome. This variant present in the donor site might cause splice site changes and protein features might be affected and hence classified as Likely Pathogenic variant

NM_201253.3(CRB1):c.2676+2T>G

Gene: CRB1 (crumbs cell polarity complex component 1; plus strand). Cytogenetic location: 1q31.3.
Variant type: single nucleotide variant.
Coding change: c.2676+2T>G on transcript NM_201253.3 (MANE Select); the canonical splice donor site of the intron after coding-DNA position 2676, T replaced by G.
Molecular consequence: splice donor variant. On other transcripts: intron variant (1).
Genome position (GRCh38, 1-based): chr1:197,428,003, T>G. VCF-style: chr1-197428003-T-G. GRCh37 (hg19) VCF-style: chr1-197397133-T-G.
Other names: c.2469+2T>G (NM_001257965.2); c.2128+6047T>G (NM_001257966.2); c.2340+2T>G (NM_001193640.2).
Identifiers: ClinVar variation 3387762 (VCV003387762.2).
Genomic context (GRCh38, chr1:197,428,003, plus strand): 5'-CTCTCAATCCAGTTCTTGTCAATGTAACCCAAGGCTGTGCTGGAGACAACAGCTGCAAGG[T>G]AATGATTACTCATACAAACTAGGTATATACTGTATGCTAAACTTTTACTTTATTAAAAAG-3'